The following is an entry in ClinVar:

NM_001042492.3(NF1):c.4787C>G (p.Ala1596Gly)

Gene: NF1 (neurofibromin 1; plus strand). Cytogenetic location: 17q11.2.
Variant type: single nucleotide variant.
Coding change: c.4787C>G on transcript NM_001042492.3 (MANE Select); coding-DNA position 4787, C replaced by G.
Protein change: p.Ala1596Gly; replaces alanine 1596 with glycine.
Molecular consequence: missense variant.
Genome position (GRCh38, 1-based): chr17:31,265,291, C>G. VCF-style: chr17-31265291-C-G. GRCh37 (hg19) VCF-style: chr17-29592309-C-G.
Other names: c.4724C>G, p.Ala1575Gly (NM_000267.4); short protein forms A1596G, A1575G.
Identifiers: ClinVar variation 576579 (VCV000576579.14), dbSNP rs1567865042, ClinGen allele CA399001293.

ClinVar aggregate classification (germline): Conflicting classifications of pathogenicity. Review status: criteria provided, conflicting classifications (1 of 4 stars). 5 submissions from 5 submitters: Uncertain significance (4); Likely benign (1). Last evaluated 2025-06-11.

Conditions:
Cardiovascular phenotype. Identifiers: MedGen CN230736.
Hereditary cancer-predisposing syndrome. Also called: Hereditary neoplastic syndrome; Tumor predisposition; Hereditary Cancer Syndrome; Neoplastic Syndromes, Hereditary. Identifiers: Orphanet 140162, MedGen C0027672, MeSH D009386, MONDO:0015356.
Neurofibromatosis, type 1 (NF1). Also called: Peripheral type neurofibromatosis; Neurofibromatosis, type I; VON RECKLINGHAUSEN DISEASE; NEUROFIBROMATOSIS, TYPE I, SOMATIC. Identifiers: Orphanet 636, MedGen C0027831, MONDO:0018975, OMIM 162200. Disease mechanism: loss of function.

Allele frequency attached by ClinVar (database versions not stated): gnomAD exomes below 0.00001.
gnomAD v4.1: 1 of 1,613,382 alleles (0.000062%); highest among the groups gnomAD compares: Non-Finnish European, 0.000085%; no homozygotes.

Submissions (5):

Labcorp Genetics (formerly Invitae), Labcorp
Classification: Likely benign for Neurofibromatosis, type 1. Last evaluated: 2025-06-11. Review status: criteria provided, single submitter. Criteria: Invitae Variant Classification Sherloc (09022015). Collection method: clinical testing. Allele origin: germline.

Ambry Genetics
Classification: Uncertain significance for Cardiovascular phenotype; Hereditary cancer-predisposing syndrome. Last evaluated: 2023-11-22. Review status: criteria provided, single submitter. Criteria: Ambry Variant Classification Scheme 2023. Collection method: clinical testing. Allele origin: germline.
Comment: The p.A1575G variant (also known as c.4724C>G), located in coding exon 35 of the NF1 gene, results from a C to G substitution at nucleotide position 4724. The alanine at codon 1575 is replaced by glycine, an amino acid with similar properties. This amino acid position is highly conserved in available vertebrate species. In addition, the in silico prediction for this alteration is inconclusive. Since supporting evidence is limited at this time, the clinical significance of this alteration remains unclear.

GeneDx
Classification: Uncertain significance. Last evaluated: 2023-09-01. Review status: criteria provided, single submitter. Criteria: GeneDx Variant Classification Process June 2021. Collection method: clinical testing. Allele origin: germline. Affected: yes.
Comment: Not observed at significant frequency in large population cohorts (gnomAD); In silico analysis supports that this missense variant has a deleterious effect on protein structure/function; Has not been previously published as pathogenic or benign to our knowledge

Genome-Nilou Lab
Classification: Uncertain significance for Neurofibromatosis, type 1. Last evaluated: 2022-03-15. Review status: criteria provided, single submitter. Criteria: ACMG Guidelines, 2015. Collection method: clinical testing. Allele origin: germline. Affected: no.

Women's Health and Genetics/Laboratory Corporation of America, LabCorp
Classification: Uncertain significance. Last evaluated: 2020-09-25. Review status: criteria provided, single submitter. Criteria: LabCorp Variant Classification Summary - May 2015. Collection method: clinical testing. Allele origin: germline.
Comment: Variant summary: NF1 c.4724C>G (p.Ala1575Gly) results in a non-conservative amino acid change in the encoded protein sequence. Three of five in-silico tools predict a damaging effect of the variant on protein function. The variant was absent in 251014 control chromosomes. The available data on variant occurrences in the general population are insufficient to allow any conclusion about variant significance. To our knowledge, no occurrence of c.4724C>G in individuals affected with Neurofibromatosis Type 1 and no experimental evidence demonstrating its impact on protein function have been reported. Two clinical diagnostic laboratories have submitted clinical-significance assessments for this variant to ClinVar after 2014 without evidence for independent evaluation. All laboratories classified the variant as uncertain significance. Based on the evidence outlined above, the variant was classified as uncertain significance.